The following is an entry in ClinVar:

ClinVar aggregate classification (germline): Uncertain significance. Review status: criteria provided, multiple submitters, no conflicts (2 of 4 stars). 2 submissions from 2 submitters: Uncertain significance (2). Last evaluated 2024-09-03.

Conditions:
Charcot-Marie-Tooth Neuropathy X. Identifiers: MedGen CN118851.
Combined oxidative phosphorylation deficiency. Identifiers: MedGen C4540031, MONDO:0000732.

Allele frequency attached by ClinVar (database versions not stated): gnomAD exomes below 0.00001; TOPMed below 0.00001; gnomAD 0.00001.
gnomAD v4.1: 3 of 1,199,124 alleles (0.00025%); highest among the groups gnomAD compares: Middle Eastern, 0.023%; no homozygotes.

Submissions (2):

Labcorp Genetics (formerly Invitae), Labcorp
Classification: Uncertain significance for Charcot-Marie-Tooth Neuropathy X; Combined oxidative phosphorylation deficiency. Last evaluated: 2024-09-03. Review status: criteria provided, single submitter. Criteria: Invitae Variant Classification Sherloc (09022015). Collection method: clinical testing. Allele origin: germline.
Comment: This sequence change replaces valine, which is neutral and non-polar, with alanine, which is neutral and non-polar, at codon 25 of the AIFM1 protein (p.Val25Ala). This variant is not present in population databases (gnomAD no frequency). This variant has not been reported in the literature in individuals affected with AIFM1-related conditions. ClinVar contains an entry for this variant (Variation ID: 858888). Invitae Evidence Modeling of protein sequence and biophysical properties (such as structural, functional, and spatial information, amino acid conservation, physicochemical variation, residue mobility, and thermodynamic stability) has been performed for this missense variant. However, the output from this modeling did not meet the statistical confidence thresholds required to predict the impact of this variant on AIFM1 protein function. In summary, the available evidence is currently insufficient to determine the role of this variant in disease. Therefore, it has been classified as a Variant of Uncertain Significance.

Blueprint Genetics
Classification: Uncertain significance. Last evaluated: 2018-05-04. Review status: criteria provided, single submitter. Criteria: ACMG Guidelines, 2015. Collection method: clinical testing. Allele origin: germline.

NM_004208.4(AIFM1):c.74T>C (p.Val25Ala)

Genes: AIFM1 (apoptosis inducing factor mitochondria associated 1; minus strand), RAB33A (RAB33A, member RAS oncogene family; plus strand), LOC130068679 (ATAC-STARR-seq lymphoblastoid active region 29939; plus strand). Cytogenetic location: Xq26.1.
Variant type: single nucleotide variant.
Coding change: c.74T>C on transcript NM_004208.4 (MANE Select); coding-DNA position 74, T replaced by C.
Protein change: p.Val25Ala; replaces valine 25 with alanine.
Molecular consequence: missense variant. On other transcripts: non-coding transcript variant (1).
Genome position (GRCh38, 1-based): chrX:130,165,583, A>G on the plus strand (T>C on the coding strand, the complement: AIFM1 is on the minus strand). VCF-style: chrX-130165583-A-G. GRCh37 (hg19) VCF-style: chrX-129299557-A-G.
Other names: c.74T>C, p.Val25Ala (NM_001130847.4, NM_145812.3); short protein forms V25A.
Identifiers: ClinVar variation 858888 (VCV000858888.11), dbSNP rs912356394, ClinGen allele CA335109948.